The following is an entry in ClinVar:

NM_001267550.2(TTN):c.95822T>G (p.Ile31941Ser)

Genes: TTN (titin; minus strand), TTN-AS1 (TTN antisense RNA 1; plus strand). Cytogenetic location: 2q31.2.
Variant type: single nucleotide variant.
Coding change: c.95822T>G on transcript NM_001267550.2 (MANE Select); coding-DNA position 95822, T replaced by G.
Protein change: p.Ile31941Ser; replaces isoleucine 31941 with serine.
Molecular consequence: missense variant.
Genome position (GRCh38, 1-based): chr2:178,544,407, A>C on the plus strand (T>G on the coding strand, the complement: TTN is on the minus strand). VCF-style: chr2-178544407-A-C. GRCh37 (hg19) VCF-style: chr2-179409134-A-C.
Other names: c.90899T>G, p.Ile30300Ser (NM_001256850.1); c.68627T>G, p.Ile22876Ser (NM_003319.4); c.88118T>G, p.Ile29373Ser (NM_133378.4); c.69002T>G, p.Ile23001Ser (NM_133432.3); c.69203T>G, p.Ile23068Ser (NM_133437.4); short protein forms I22876S, I23001S, I23068S, I29373S, I30300S, I31941S.
Identifiers: ClinVar variation 1305941 (VCV001305941.2), dbSNP rs779376834, ClinGen allele CA1986870.
Genomic context (GRCh38, chr2:178,544,407, plus strand): 5'-GTATGCACTCGGTACCACTGATCAGTGTCCTTCTCTTGCATTTCCAGAACATATCCTACA[A>C]TGTCAGTACCACCATCGTACATGGGTTTGGTCCATGCCAAACTAATGCTGTGTTTGGTGG-3'
Protein context (NP_001254479.2, residues 31931-31951): TKPMYDGGTD[Ile31941Ser]VGYVLEMQEK

ClinVar aggregate classification (germline): Uncertain significance (1 of 4 stars; one submission).

Allele frequency attached by ClinVar (database versions not stated): ExAC 0.00001; gnomAD exomes 0.00001.
gnomAD v4.1: 15 of 1,613,580 alleles (0.00093%); highest among the groups gnomAD compares: Non-Finnish European, 0.0013%; no homozygotes.

Submission:

GeneDx
Classification: Uncertain significance. Last evaluated: 2019-05-17. Review status: criteria provided, single submitter. Criteria: GeneDx Variant Classification Process June 2021. Collection method: clinical testing. Allele origin: germline. Affected: yes.
Comment: Has not been previously published as pathogenic or benign to our knowledge